The following is an entry in ClinVar:

NM_000535.7(PMS2):c.335G>T (p.Ser112Ile)

Gene: PMS2 (PMS1 homolog 2, mismatch repair system component; minus strand). Cytogenetic location: 7p22.1.
Variant type: single nucleotide variant.
Coding change: c.335G>T on transcript NM_000535.7 (MANE Select); coding-DNA position 335, G replaced by T.
Protein change: p.Ser112Ile; replaces serine 112 with isoleucine.
Molecular consequence: missense variant. On other transcripts: 5 prime UTR variant (9), non-coding transcript variant (1), intron variant (2).
Genome position (GRCh38, 1-based): chr7:6,003,708, C>A on the plus strand (G>T on the coding strand, the complement: PMS2 is on the minus strand). VCF-style: chr7-6003708-C-A. GRCh37 (hg19) VCF-style: chr7-6043339-C-A.
Other names: c.-71G>T (NM_001018040.1, NM_001322003.2, NM_001322004.2 and 14 more transcripts); c.335G>T, p.Ser112Ile (NM_001322006.2, NM_001322014.2, NM_001406869.1 and 8 more transcripts); c.-550G>T (NM_001322011.2, NM_001322012.2); c.-150G>T (NM_001322015.2, NM_001406875.1, NM_001406877.1 and 3 more transcripts); c.521G>T, p.Ser174Ile (NM_001406866.1); c.359G>T, p.Ser120Ile (NM_001406868.1); c.-61G>T (NM_001406890.1); c.35+264G>T (NM_001322008.2, NM_001322007.2); short protein forms S120I, S174I, S112I.
Identifiers: ClinVar variation 1730601 (VCV001730601.3), dbSNP rs1219157493, ClinGen allele CA366744559.

ClinVar aggregate classification (germline): Uncertain significance (1 of 4 stars; one submission).

Conditions:
Hereditary cancer-predisposing syndrome. Also called: Hereditary Cancer Syndrome; Hereditary neoplastic syndrome; Neoplastic Syndromes, Hereditary; Tumor predisposition. Identifiers: Orphanet 140162, MedGen C0027672, MeSH D009386, MONDO:0015356.

Submission:

Ambry Genetics
Classification: Uncertain significance for Hereditary cancer-predisposing syndrome. Last evaluated: 2026-08-18. Review status: criteria provided, single submitter. Criteria: Ambry Variant Classification Scheme 2023. Collection method: clinical testing. Allele origin: germline.
Comment: The p.S112I variant (also known as c.335G>T), located in coding exon 4 of the PMS2 gene, results from a G to T substitution at nucleotide position 335. The serine at codon 112 is replaced by isoleucine, an amino acid with dissimilar properties. This amino acid position is highly conserved in available vertebrate species. In addition, this alteration is predicted to be deleterious by in silico analysis. Based on the available evidence, the clinical significance of this variant remains unclear.